The following is an entry in ClinVar:

NM_014159.7(SETD2):c.161T>G (p.Phe54Cys)

Gene: SETD2 (SET domain containing 2, histone lysine methyltransferase; minus strand). Cytogenetic location: 3p21.31.
Variant type: single nucleotide variant.
Coding change: c.161T>G on transcript NM_014159.7 (MANE Select); coding-DNA position 161, T replaced by G.
Protein change: p.Phe54Cys; replaces phenylalanine 54 with cysteine.
Molecular consequence: missense variant. On other transcripts: non-coding transcript variant (1).
Genome position (GRCh38, 1-based): chr3:47,124,475, A>C on the plus strand (T>G on the coding strand, the complement: SETD2 is on the minus strand). VCF-style: chr3-47124475-A-C. GRCh37 (hg19) VCF-style: chr3-47165965-A-C.
Other names: c.29T>G, p.Phe10Cys (NM_001349370.3); short protein forms F10C, F54C.
Identifiers: ClinVar variation 3251649 (VCV003251649.1), dbSNP rs2043245978.
Genomic context (GRCh38, chr3:47,124,475, plus strand): 5'-GACACCTTCTGTCGTCCCTGTTCTTCCAAATTAACTTTTGTTTTGGTGCCTTTGGGCAAA[A>C]ATCGACTAGAAGCAACACCTTTGAACATTGGTCCTTTGATGAAACCTGTTTTCTGCACAT-3'
Protein context (NP_054878.5, residues 44-64): PMFKGVASSR[Phe54Cys]LPKGTKTKVN

ClinVar aggregate classification (germline): Uncertain significance (1 of 4 stars; one submission).

Allele frequency attached by ClinVar (database versions not stated): TOPMed below 0.00001.

Submission:

Women's Health and Genetics/Laboratory Corporation of America, LabCorp
Classification: Uncertain significance. Last evaluated: 2024-04-26. Review status: criteria provided, single submitter. Criteria: LabCorp Variant Classification Summary - May 2015. Collection method: clinical testing. Allele origin: germline.
Comment: Variant summary: SETD2 c.161T>G (p.Phe54Cys) results in a non-conservative amino acid change in the encoded protein sequence. Five of five in-silico tools predict a damaging effect of the variant on protein function. The frequency data for this variant in gnomAD is considered unreliable, as metrics indicate poor data quality at this position. To our knowledge, no occurrence of c.161T>G in individuals affected with Luscan-Lumish Syndrome and no experimental evidence demonstrating its impact on protein function have been reported. No submitters have cited clinical-significance assessments for this variant to ClinVar. Based on the evidence outlined above, the variant was classified as uncertain significance.